The following is an entry in ClinVar:

NM_002435.3(MPI):c.1207_1208del (p.Ser403fs)

Gene: MPI (mannose phosphate isomerase; plus strand). Cytogenetic location: 15q24.1.
Variant type: Microsatellite.
Coding change: c.1207_1208del on transcript NM_002435.3 (MANE Select); coding-DNA positions 1207 to 1208, 2 bases deleted (AG; older notation c.1207_1208delAG).
Protein change: p.Ser403fs; shifts the reading frame from serine 403.
Molecular consequence: frameshift variant. On other transcripts: 3 prime UTR variant (1).
Genome position (GRCh38, 1-based): chr15:74,897,665-74,897,666, AG deleted; deleting any 2 consecutive bases within chr15:74,897,662-74,897,666 gives the same sequence; the c. name uses the placement nearest the transcript's 3' end. VCF-style (leftmost placement, unchanged base first): chr15-74897661-TGA-T. GRCh37 (hg19) VCF-style: chr15-75190002-TGA-T.
Other names: c.*132AG[1] (NM_001289155.2); c.1057_1058del, p.Ser353fs (NM_001289156.2); c.1024_1025del, p.Ser342fs (NM_001289157.2); c.1147_1148del, p.Ser383fs (NM_001330372.2); short protein forms S342fs, S353fs, S383fs, S403fs.
Identifiers: ClinVar variation 4815033 (VCV004815033.1).
Genomic context (GRCh38, chr15:74,897,661, plus strand): 5'-ACCCACAACCCAGACACCAATCCCTCTGCAACGTGGTGGCGTGCTCTTCATTGGGGCCAA[TGA>T]GAGTGTCTCACTGAAGCTTACTGAGCCGAAGGACCTGCTGATATTCCGTGCCTGCTGTCT-3'

ClinVar aggregate classification (germline): Likely pathogenic (1 of 4 stars; one submission).

Conditions:
MPI-congenital disorder of glycosylation. Also called: CONGENITAL DISORDER OF GLYCOSYLATION, TYPE Ib; CDG Ib; MANNOSEPHOSPHATE ISOMERASE DEFICIENCY; PROTEIN-LOSING ENTEROPATHY-HEPATIC FIBROSIS SYNDROME; MPI-CDG; MPI DEFICIENCY. Identifiers: Orphanet 79319, MedGen C1865145, MONDO:0011257, OMIM 602579.

Submission:

Natera, Inc.
Classification: Likely pathogenic for Congenital disorder of glycosylation type 1b. Last evaluated: 2024-12-13. Review status: criteria provided, single submitter. Criteria: Natera Variant Classification Schema (03/2026). Collection method: clinical testing. Allele origin: germline.
Comment: The c.1207_1208delAG variant in MPI is a frameshift variant predicted to shift the reading frame beginning at codon 403 and leads to a stop codon 7 codons downstream. This variant is expected to result in nonsense mediated decay, truncation, or a dysfunctional protein product. This variant is rare in the general population with a frequency below the threshold expected for the associated phenotype(s). Given the available evidence, this variant is classified as Likely Pathogenic.